The following is an entry in ClinVar:

ClinVar aggregate classification (germline): Pathogenic (1 of 4 stars; one submission).

Conditions:
Axenfeld-Rieger syndrome type 3 (RIEG3). Also called: AXENFELD-RIEGER ANOMALY WITH CARDIAC DEFECTS AND/OR SENSORINEURAL HEARING LOSS. Identifiers: Orphanet 782, MedGen C2678503, MONDO:0011233, OMIM 602482.

Submission:

Labcorp Genetics (formerly Invitae), Labcorp
Classification: Pathogenic for Axenfeld-Rieger syndrome type 3. Last evaluated: 2020-01-28. Review status: criteria provided, single submitter. Criteria: Invitae Variant Classification Sherloc (09022015). Collection method: clinical testing. Allele origin: germline.
Comment: For these reasons, this variant has been classified as Pathogenic. This variant disrupts the C-terminus of the FOXC1 protein. Other variant(s) that disrupt this region (p.Leu240Valfs*65) have been determined to be pathogenic (PMID: 16638984, Invitae). This suggests that variants that disrupt this region of the protein are likely to be causative of disease. This sequence change results in a premature translational stop signal in the FOXC1 gene (p.Gln238*). While this is not anticipated to result in nonsense mediated decay, it is expected to disrupt the last 316 amino acids of the FOXC1 protein. The frequency data for this variant in the population databases is considered unreliable, as metrics indicate insufficient coverage at this position in the ExAC database. This variant has been observed in individual(s) with clinical features of Peter's anomaly (Invitae).

Literature cited by the submitters: PubMed 16638984.

NM_001453.3(FOXC1):c.712C>T (p.Gln238Ter)

Gene: FOXC1 (forkhead box C1; plus strand). Cytogenetic location: 6p25.3.
Variant type: single nucleotide variant.
Coding change: c.712C>T on transcript NM_001453.3 (MANE Select); coding-DNA position 712, C replaced by T.
Protein change: p.Gln238Ter; replaces glutamine 238 with a stop codon.
Molecular consequence: nonsense.
Genome position (GRCh38, 1-based): chr6:1,611,157, C>T. VCF-style: chr6-1611157-C-T. GRCh37 (hg19) VCF-style: chr6-1611392-C-T.
Other names: short protein forms Q238*.
Identifiers: ClinVar variation 1076933 (VCV001076933.9), dbSNP rs2113112422, ClinGen allele CA362559414.